The following is an entry in ClinVar:

ClinVar aggregate classification (germline): Uncertain significance. Review status: criteria provided, multiple submitters, no conflicts (2 of 4 stars). 2 submissions from 2 submitters: Uncertain significance (2). Last evaluated 2023-11-20.

Conditions:
Charcot-Marie-Tooth disease axonal type 2O. Also called: Charcot-Marie-Tooth disease, axonal, type 20; CHARCOT-MARIE-TOOTH NEUROPATHY, AXONAL, TYPE 2O; CHARCOT-MARIE-TOOTH DISEASE, AXONAL, AUTOSOMAL DOMINANT, TYPE 2O; Charcot-Marie-Tooth Neuropathy Type 2O. Identifiers: Orphanet 284232, MedGen C3280220, MONDO:0013644, OMIM 614228.

Allele frequency attached by ClinVar (database versions not stated): gnomAD exomes below 0.00001.
gnomAD v4.1: 1 of 1,614,172 alleles (0.000062%); highest among the groups gnomAD compares: Admixed American, 0.0017%; no homozygotes.

Submissions (2):

Labcorp Genetics (formerly Invitae), Labcorp
Classification: Uncertain significance for Charcot-Marie-Tooth disease axonal type 2O. Last evaluated: 2023-11-20. Review status: criteria provided, single submitter. Criteria: Invitae Variant Classification Sherloc (09022015). Collection method: clinical testing. Allele origin: germline.
Comment: This sequence change replaces lysine, which is basic and polar, with glutamic acid, which is acidic and polar, at codon 3605 of the DYNC1H1 protein (p.Lys3605Glu). This variant is present in population databases (no rsID available, gnomAD 0.003%). This variant has not been reported in the literature in individuals affected with DYNC1H1-related conditions. ClinVar contains an entry for this variant (Variation ID: 2571923). Advanced modeling of protein sequence and biophysical properties (such as structural, functional, and spatial information, amino acid conservation, physicochemical variation, residue mobility, and thermodynamic stability) performed at Invitae indicates that this missense variant is not expected to disrupt DYNC1H1 protein function with a negative predictive value of 95%. In summary, the available evidence is currently insufficient to determine the role of this variant in disease. Therefore, it has been classified as a Variant of Uncertain Significance.

GeneDx
Classification: Uncertain significance. Last evaluated: 2023-01-09. Review status: criteria provided, single submitter. Criteria: GeneDx Variant Classification Process June 2021. Collection method: clinical testing. Allele origin: germline. Affected: yes.
Comment: Not observed at significant frequency in large population cohorts (gnomAD); In silico analysis supports that this missense variant does not alter protein structure/function; Has not been previously published as pathogenic or benign to our knowledge

NM_001376.5(DYNC1H1):c.10813A>G (p.Lys3605Glu)

Gene: DYNC1H1 (dynein cytoplasmic 1 heavy chain 1; plus strand). Cytogenetic location: 14q32.31.
Variant type: single nucleotide variant.
Coding change: c.10813A>G on transcript NM_001376.5 (MANE Select); coding-DNA position 10813, A replaced by G.
Protein change: p.Lys3605Glu; replaces lysine 3605 with glutamic acid.
Molecular consequence: missense variant.
Genome position (GRCh38, 1-based): chr14:102,036,547, A>G. VCF-style: chr14-102036547-A-G. GRCh37 (hg19) VCF-style: chr14-102502884-A-G.
Other names: short protein forms K3605E.
Identifiers: ClinVar variation 2571923 (VCV002571923.4), dbSNP rs1288527198, ClinGen allele CA391029751.